The following is an entry in ClinVar:

NM_001367624.2(ZNF469):c.2096G>A (p.Arg699Gln)

Gene: ZNF469 (zinc finger protein 469; plus strand). Cytogenetic location: 16q24.2.
Variant type: single nucleotide variant.
Coding change: c.2096G>A on transcript NM_001367624.2 (MANE Select); coding-DNA position 2096, G replaced by A.
Protein change: p.Arg699Gln; replaces arginine 699 with glutamine.
Molecular consequence: missense variant.
Genome position (GRCh38, 1-based): chr16:88,429,566, G>A. VCF-style: chr16-88429566-G-A. GRCh37 (hg19) VCF-style: chr16-88495974-G-A.
Other names: short protein forms R699Q.
Identifiers: ClinVar variation 2152098 (VCV002152098.3), dbSNP rs1905980078, ClinGen allele CA397069793.

ClinVar aggregate classification (germline): Uncertain significance (1 of 4 stars; one submission).

Allele frequency attached by ClinVar (database versions not stated): TOPMed below 0.00001.

Submission:

Labcorp Genetics (formerly Invitae), Labcorp
Classification: Uncertain significance. Last evaluated: 2024-05-06. Review status: criteria provided, single submitter. Criteria: Invitae Variant Classification Sherloc (09022015). Collection method: clinical testing. Allele origin: germline.
Comment: This sequence change replaces arginine, which is basic and polar, with glutamine, which is neutral and polar, at codon 699 of the ZNF469 protein (p.Arg699Gln). This variant is not present in population databases (gnomAD no frequency). This variant has not been reported in the literature in individuals affected with ZNF469-related conditions. ClinVar contains an entry for this variant (Variation ID: 2152098). An algorithm developed to predict the effect of missense changes on protein structure and function (PolyPhen-2) suggests that this variant is likely to be tolerated. In summary, the available evidence is currently insufficient to determine the role of this variant in disease. Therefore, it has been classified as a Variant of Uncertain Significance.